The following is an entry in ClinVar:

ClinVar aggregate classification (germline): Benign (1 of 4 stars; one submission).

Conditions:
Pyridoxine-dependent epilepsy (EPEO4). Also called: Pyridoxine-Dependent Epilepsy - ALDH7A1; PYRIDOXINE DEPENDENCY WITH SEIZURES; EPILEPSY, EARLY-ONSET, 4, VITAMIN B6-DEPENDENT; Pyridoxine-Dependent Seizures. Identifiers: Orphanet 3006, MedGen C1849508, MONDO:0009945, OMIM 266100. Disease mechanism: loss of function.

Allele frequency attached by ClinVar (database versions not stated): gnomAD 0.60056 and 0.59869; 1000 Genomes Project 30x 0.57761; 1000 Genomes Project 0.57588; TOPMed 0.58477.

Submission:

Illumina Laboratory Services, Illumina
Classification: Benign for Pyridoxine-dependent epilepsy. Last evaluated: 2018-01-12. Review status: criteria provided, single submitter. Criteria: ICSL Variant Classification Criteria 13 December 2019. Collection method: clinical testing. Allele origin: germline.
Comment: This variant was observed in the ICSL laboratory as part of a predisposition screen in an ostensibly healthy population. It had not been previously curated by ICSL or reported in the Human Gene Mutation Database (HGMD: prior to June 1st, 2018), and was therefore a candidate for classification through an automated scoring system. Utilizing variant allele frequency, disease prevalence and penetrance estimates, and inheritance mode, an automated score was calculated to assess if this variant is too frequent to cause the disease. Based on the score and internal cut-off values, a variant classified as benign is not then subjected to further curation. The score for this variant resulted in a classification of benign for this disease.

NM_001182.5(ALDH7A1):c.*807C>G

Gene: ALDH7A1 (aldehyde dehydrogenase 7 family member A1; minus strand). Cytogenetic location: 5q23.2.
Variant type: single nucleotide variant.
Coding change: c.*807C>G on transcript NM_001182.5 (MANE Select); 807 bases downstream of the stop codon, C replaced by G.
Molecular consequence: 3 prime UTR variant.
Genome position (GRCh38, 1-based): chr5:126,544,158, G>C on the plus strand (C>G on the coding strand, the complement: ALDH7A1 is on the minus strand). VCF-style: chr5-126544158-G-C. GRCh37 (hg19) VCF-style: chr5-125879850-G-C.
Other names: c.*807C>G (NM_001201377.2, NM_001202404.2).
Identifiers: ClinVar variation 350571 (VCV000350571.5), dbSNP rs1807, ClinGen allele CA10622421.
Genomic context (GRCh38, chr5:126,544,158, plus strand): 5'-CAGGTGCCTGCCACCACACTGGGCTAATTTTTGTATTTTTTGGTAAAGACGGGGTTTCAC[G>C]ATATCGGCCAGGCTGGTCTCAAACTCCTAGCCTCTACTGATCCACCCGCCTCGGCCTCTC-3'